The following is an entry in ClinVar:

ClinVar aggregate classification (germline): Conflicting classifications of pathogenicity. Review status: criteria provided, conflicting classifications (1 of 4 stars). 2 submissions from 2 submitters: Pathogenic (1); Uncertain significance (1). Last evaluated 2026-02-26.

Conditions:
Marfan syndrome (MFS). Also called: MARFAN SYNDROME, TYPE I; Marfan syndrome type 1; Marfan's syndrome; FBN1-Related Marfan Syndrome; Marfan syndrome, classic. Identifiers: Orphanet 284963, Orphanet 558, MedGen C0024796, MONDO:0007947, OMIM 154700.

Submissions (2):

Clinical Genetic Center, Kansai Medical University
Classification: Pathogenic for Marfan syndrome. Last evaluated: 2026-02-26. Review status: criteria provided, single submitter. Criteria: ACMG Guidelines, 2015. Collection method: clinical testing. Allele origin: germline. Inheritance: Autosomal dominant inheritance. Affected: yes. Observed: 1 variant allele.
Comment: • PM1_strong: Substitution of Cysteine in a cbEGF domain disrupts critical disulfide bonds. • PS4_strong: Reported in multiple independent Marfan patients in literature (Tiecke et al. 2001; Poninska et al. 2016). • PM2_supportive: Absent from gnomAD.

Neuberg Centre For Genomic Medicine, NCGM
Classification: Uncertain significance for Marfan syndrome. Last evaluated: 2023-06-02. Review status: criteria provided, single submitter. Criteria: ACMG Guidelines, 2015. Collection method: clinical testing. Allele origin: germline. Inheritance: Autosomal dominant inheritance. Affected: yes.
Comment: The observed missense variant c.4223G>T(p.Cys1408Phe) in the FBN1 gene has not been reported previously as a pathogenic variant nor as a benign variant, to our knowledge. This variant is absent in the gnomAD Exomes. The amino acid Cysteine at position 1408 is changed to a Phenylalanine changing protein sequence and it might alter its composition and physico-chemical properties. Multiple lines of computational evidence (SIFT - Damaging and MutationTaster - Disease causing) predict a damaging effect on protein structure and function for this variant. The residue is conserved by GERP++ and PhyloP across 100 vertebrates. For these reasons, this variant has been classified as Uncertain Significance.

NM_000138.5(FBN1):c.4223G>T (p.Cys1408Phe)

Genes: FBN1 (fibrillin 1; minus strand), LOC126862124 (CDK7 strongly-dependent group 2 enhancer GRCh37_chr15:48764566-48765765; plus strand). Cytogenetic location: 15q21.1.
Variant type: single nucleotide variant.
Coding change: c.4223G>T on transcript NM_000138.5 (MANE Select); coding-DNA position 4223, G replaced by T.
Protein change: p.Cys1408Phe; replaces cysteine 1408 with phenylalanine.
Molecular consequence: missense variant.
Genome position (GRCh38, 1-based): chr15:48,472,664, C>A on the plus strand (G>T on the coding strand, the complement: FBN1 is on the minus strand). VCF-style: chr15-48472664-C-A. GRCh37 (hg19) VCF-style: chr15-48764861-C-A.
Other names: c.4223G>T, p.Cys1408Phe (NM_001406716.1); short protein forms C1408F.
Identifiers: ClinVar variation 3362270 (VCV003362270.4).